The following is an entry in ClinVar:

NM_006393.3(NEBL):c.971A>T (p.His324Leu)

Gene: NEBL (nebulette; minus strand). Cytogenetic location: 10p12.31.
Variant type: single nucleotide variant.
Coding change: c.971A>T on transcript NM_006393.3 (MANE Select); coding-DNA position 971, A replaced by T.
Protein change: p.His324Leu; replaces histidine 324 with leucine.
Molecular consequence: missense variant. On other transcripts: intron variant (9).
Genome position (GRCh38, 1-based): chr10:20,852,582, T>A on the plus strand (A>T on the coding strand, the complement: NEBL is on the minus strand). VCF-style: chr10-20852582-T-A. GRCh37 (hg19) VCF-style: chr10-21141511-T-A.
Other names: c.250-39642A>T (NM_001377326.1, NM_001377327.1, NM_001377328.1); c.358-39642A>T (NM_213569.2, NM_001173484.2, NM_001377322.1); c.301-39642A>T (NM_001377324.1); c.292-39642A>T (NM_001377325.1); c.310-39642A>T (NM_001377323.1); short protein forms H324L.
Identifiers: ClinVar variation 3878626 (VCV003878626.1).

ClinVar aggregate classification (germline): Uncertain significance (1 of 4 stars; one submission).

Submission:

Ambry Genetics
Classification: Uncertain significance. Last evaluated: 2025-02-15. Review status: criteria provided, single submitter. Criteria: Ambry Variant Classification Scheme 2023. Collection method: clinical testing. Allele origin: germline.
Comment: The p.H324L variant (also known as c.971A>T), located in coding exon 10 of the NEBL gene, results from an A to T substitution at nucleotide position 971. The histidine at codon 324 is replaced by leucine, an amino acid with similar properties. This amino acid position is conserved. In addition, this alteration is predicted to be tolerated by in silico analysis. Based on the available evidence, the clinical significance of this variant remains unclear.